The following is an entry in ClinVar:

NM_139315.3(TAF6):c.1539C>T (p.Ile513=)

Genes: AP4M1 (adaptor related protein complex 4 subunit mu 1; plus strand), TAF6 (TATA-box binding protein associated factor 6; minus strand). Cytogenetic location: 7q22.1.
Variant type: single nucleotide variant.
Coding change: c.1539C>T on transcript NM_139315.3 (MANE Select); coding-DNA position 1539, C replaced by T.
Protein change: p.Ile513=; no amino-acid change (isoleucine 513 retained).
Molecular consequence: synonymous variant. On other transcripts: non-coding transcript variant (1), 3 prime UTR variant (2).
Genome position (GRCh38, 1-based): chr7:100,108,043, G>A on the plus strand (C>T on the coding strand, the complement: TAF6 is on the minus strand). VCF-style: chr7-100108043-G-A. GRCh37 (hg19) VCF-style: chr7-99705666-G-A.
Other names: c.1650C>T, p.Ile550= (NM_001190415.2); c.1539C>T, p.Ile513= (NM_001364998.1, NM_001364999.1, NM_005641.4); c.1509C>T, p.Ile503= (NM_001365000.1, NM_001365001.1, NM_001365002.1 and 1 more transcripts); c.1677C>T, p.Ile559= (NM_001365004.1); c.*1161G>A (NM_001363671.2, NM_004722.4).
Identifiers: ClinVar variation 734129 (VCV000734129.28), dbSNP rs114272994, ClinGen allele CA4375259.

ClinVar aggregate classification (germline): Benign/Likely benign. Review status: criteria provided, multiple submitters, no conflicts (2 of 4 stars). 3 submissions from 3 submitters: Benign (1); Likely benign (1). 1 of the submissions does not count toward it. Last evaluated 2026-07-01.

Conditions:
TAF6-related disorder. Also called: TAF6-related condition.

Allele frequency attached by ClinVar (database versions not stated): gnomAD exomes 0.00041 and 0.00107; ExAC 0.00138; gnomAD 0.00372 and 0.00392; TOPMed 0.00421; ESP Exome Variant Server 0.00469; 1000 Genomes Project 30x 0.00562; 1000 Genomes Project 0.00599.
gnomAD v4.1: 1,177 of 1,613,556 alleles (0.073%); highest among the groups gnomAD compares: African/African-American, 1.4%; 9 homozygotes.

Submissions (3):

CeGaT Center for Human Genetics Tuebingen
Classification: Likely benign. Last evaluated: 2026-07-01. Review status: criteria provided, single submitter. Criteria: CeGaT Center For Human Genetics Tuebingen Variant Classification Criteria Version 2. Collection method: clinical testing. Allele origin: germline. Affected: yes. Observed: 2 variant alleles.
Comment: TAF6: BP4, BP7, BS1

Labcorp Genetics (formerly Invitae), Labcorp
Classification: Benign. Last evaluated: 2025-07-30. Review status: criteria provided, single submitter. Criteria: Invitae Variant Classification Sherloc (09022015). Collection method: clinical testing. Allele origin: germline.

PreventionGenetics, part of Exact Sciences
Classification: Benign for TAF6-related condition. Last evaluated: 2019-03-16. Review status: no assertion criteria provided. Collection method: clinical testing. Allele origin: germline. Not counted in ClinVar's aggregate classification.
Comment: This variant is classified as benign based on ACMG/AMP sequence variant interpretation guidelines (Richards et al. 2015 PMID: 25741868, with internal and published modifications).